The following is an entry in ClinVar:

ClinVar aggregate classification (germline): Uncertain significance (0 of 4 stars; one submission).

Conditions:
SON-related disorder. Also called: SON-related condition.

Submission:

PreventionGenetics, part of Exact Sciences
Classification: Uncertain significance for SON-related condition. Last evaluated: 2024-09-26. Review status: no assertion criteria provided. Collection method: clinical testing. Allele origin: germline.
Comment: The SON c.4846A>C variant is predicted to result in the amino acid substitution p.Thr1616Pro. To our knowledge, this variant has not been reported in the literature or in a large population database, indicating this variant is rare. At this time, the clinical significance of this variant is uncertain due to the absence of conclusive functional and genetic evidence.

NM_138927.4(SON):c.4846A>C (p.Thr1616Pro)

Gene: SON (SON DNA and RNA binding protein; plus strand). Cytogenetic location: 21q22.11.
Variant type: single nucleotide variant.
Coding change: c.4846A>C on transcript NM_138927.4 (MANE Select); coding-DNA position 4846, A replaced by C.
Protein change: p.Thr1616Pro; replaces threonine 1616 with proline.
Molecular consequence: missense variant. On other transcripts: non-coding transcript variant (1), intron variant (1).
Genome position (GRCh38, 1-based): chr21:33,554,077, A>C. VCF-style: chr21-33554077-A-C. GRCh37 (hg19) VCF-style: chr21-34926383-A-C.
Other names: c.4846A>C, p.Thr1616Pro (NM_001291411.2, NM_032195.3); c.245-3079A>C (NM_001291412.3); short protein forms T1616P.
Identifiers: ClinVar variation 3344698 (VCV003344698.1).